The following is an entry in ClinVar:

ClinVar aggregate classification (germline): Uncertain significance (1 of 4 stars; one submission).

gnomAD v4.1: 6 of 1,599,052 alleles (0.00038%); highest among the groups gnomAD compares: African/African-American, 0.0013%; no homozygotes.

Submission:

Labcorp Genetics (formerly Invitae), Labcorp
Classification: Uncertain significance. Last evaluated: 2021-12-22. Review status: criteria provided, single submitter. Criteria: Invitae Variant Classification Sherloc (09022015). Collection method: clinical testing. Allele origin: germline.
Comment: This sequence change replaces threonine, which is neutral and polar, with methionine, which is neutral and non-polar, at codon 11 of the MMP2 protein (p.Thr11Met). This variant is not present in population databases (gnomAD no frequency). This variant has not been reported in the literature in individuals affected with MMP2-related conditions. Algorithms developed to predict the effect of missense changes on protein structure and function (SIFT, PolyPhen-2, Align-GVGD) all suggest that this variant is likely to be tolerated. In summary, the available evidence is currently insufficient to determine the role of this variant in disease. Therefore, it has been classified as a Variant of Uncertain Significance.

NM_004530.6(MMP2):c.32C>T (p.Thr11Met)

Gene: MMP2 (matrix metallopeptidase 2; plus strand). Cytogenetic location: 16q12.2.
Variant type: single nucleotide variant.
Coding change: c.32C>T on transcript NM_004530.6 (MANE Select); coding-DNA position 32, C replaced by T.
Protein change: p.Thr11Met; replaces threonine 11 with methionine.
Molecular consequence: missense variant. On other transcripts: intron variant (1).
Genome position (GRCh38, 1-based): chr16:55,479,511, C>T. VCF-style: chr16-55479511-C-T. GRCh37 (hg19) VCF-style: chr16-55513423-C-T.
Other names: c.-76+546C>T (NM_001302508.1); short protein forms T11M.
Identifiers: ClinVar variation 1966055 (VCV001966055.5), dbSNP rs1198471919, ClinGen allele CA395930454.